The following is an entry in ClinVar:

ClinVar aggregate classification (germline): Uncertain significance. Review status: criteria provided, multiple submitters, no conflicts (2 of 4 stars). 2 submissions from 2 submitters: Uncertain significance (2). Last evaluated 2026-05-16.

Conditions:
Hereditary cancer-predisposing syndrome. Also called: Hereditary neoplastic syndrome; Tumor predisposition; Hereditary Cancer Syndrome; Neoplastic Syndromes, Hereditary. Identifiers: Orphanet 140162, MedGen C0027672, MeSH D009386, MONDO:0015356.
Parathyroid carcinoma (PRTC). Also called: Parathyroid gland carcinoma; CDC73-Related Parathyroid Carcinoma. Identifiers: Orphanet 143, MedGen C0687150, MONDO:0012004, OMIM 608266, HP:0006780.

gnomAD v4.1: 2 of 1,613,936 alleles (0.00012%); highest among the groups gnomAD compares: Non-Finnish European, 0.00017%; no homozygotes.

Submissions (2):

Ambry Genetics
Classification: Uncertain significance for Hereditary cancer-predisposing syndrome. Last evaluated: 2026-05-16. Review status: criteria provided, single submitter. Criteria: Ambry Variant Classification Scheme 2023. Collection method: clinical testing. Allele origin: germline.
Comment: The p.W457C variant (also known as c.1371G>C), located in coding exon 15 of the CDC73 gene, results from a G to C substitution at nucleotide position 1371. The tryptophan at codon 457 is replaced by cysteine, an amino acid with highly dissimilar properties. This amino acid position is conserved. In addition, this alteration is predicted to be deleterious by in silico analysis. Based on the available evidence, the clinical significance of this variant remains unclear.

Labcorp Genetics (formerly Invitae), Labcorp
Classification: Uncertain significance for Parathyroid carcinoma. Last evaluated: 2024-03-16. Review status: criteria provided, single submitter. Criteria: Invitae Variant Classification Sherloc (09022015). Collection method: clinical testing. Allele origin: germline.
Comment: This sequence change replaces tryptophan, which is neutral and slightly polar, with cysteine, which is neutral and slightly polar, at codon 457 of the CDC73 protein (p.Trp457Cys). This variant is not present in population databases (gnomAD no frequency). This variant has not been reported in the literature in individuals affected with CDC73-related conditions. Advanced modeling of protein sequence and biophysical properties (such as structural, functional, and spatial information, amino acid conservation, physicochemical variation, residue mobility, and thermodynamic stability) performed at Invitae indicates that this missense variant is expected to disrupt CDC73 protein function with a positive predictive value of 80%. In summary, the available evidence is currently insufficient to determine the role of this variant in disease. Therefore, it has been classified as a Variant of Uncertain Significance.

NM_024529.5(CDC73):c.1371G>C (p.Trp457Cys)

Gene: CDC73 (cell division cycle 73; plus strand). Cytogenetic location: 1q31.2.
Variant type: single nucleotide variant.
Coding change: c.1371G>C on transcript NM_024529.5 (MANE Select); coding-DNA position 1371, G replaced by C.
Protein change: p.Trp457Cys; replaces tryptophan 457 with cysteine.
Molecular consequence: missense variant.
Genome position (GRCh38, 1-based): chr1:193,236,310, G>C. VCF-style: chr1-193236310-G-C. GRCh37 (hg19) VCF-style: chr1-193205440-G-C.
Other names: short protein forms W457C.
Identifiers: ClinVar variation 3671234 (VCV003671234.3).
Genomic context (GRCh38, chr1:193,236,310, plus strand): 5'-TTGTAGGGACCGCGTTGTAGCCGTTTTTGTGCAGGGTCCTGCATGGCAGTTCAAAGGTTG[G>C]CCATGGCTTTTGCCTGATGGATCACCAGTTGATATATTTGCTAAAAGTAAGATTCTCTTT-3'
Protein context (NP_078805.3, residues 447-467): VQGPAWQFKG[Trp457Cys]PWLLPDGSPV